The following is an entry in ClinVar:

NM_001393662.1(VCX):c.118A>G (p.Lys40Glu)

Gene: VCX (variable charge X-linked; plus strand). Cytogenetic location: Xp22.31.
Variant type: single nucleotide variant.
Coding change: c.118A>G on transcript NM_001393662.1 (MANE Select); coding-DNA position 118, A replaced by G.
Protein change: p.Lys40Glu; replaces lysine 40 with glutamic acid.
Molecular consequence: missense variant.
Genome position (GRCh38, 1-based): chrX:7,843,513, A>G. VCF-style: chrX-7843513-A-G. GRCh37 (hg19) VCF-style: chrX-7811554-A-G.
Other names: c.118A>G, p.Lys40Glu (NM_013452.3); short protein forms K40E.
Identifiers: ClinVar variation 3905066 (VCV003905066.10).

ClinVar aggregate classification (germline): Likely benign (1 of 4 stars; one submission).

gnomAD v4.1: 2,538 of 1,170,415 alleles (0.22%); highest among the groups gnomAD compares: East Asian, 0.7%; no homozygotes.

Submission:

CeGaT Center for Human Genetics Tuebingen
Classification: Likely benign. Last evaluated: 2025-06-01. Review status: criteria provided, single submitter. Criteria: CeGaT Center For Human Genetics Tuebingen Variant Classification Criteria Version 2. Collection method: clinical testing. Allele origin: germline. Affected: yes. Observed: 1 variant allele.
Comment: VCX: BS2